The following is an entry in ClinVar:

NM_000435.3(NOTCH3):c.790C>T (p.Pro264Ser)

Gene: NOTCH3 (notch receptor 3; minus strand). Cytogenetic location: 19p13.12.
Variant type: single nucleotide variant.
Coding change: c.790C>T on transcript NM_000435.3 (MANE Select); coding-DNA position 790, C replaced by T.
Protein change: p.Pro264Ser; replaces proline 264 with serine.
Molecular consequence: missense variant.
Genome position (GRCh38, 1-based): chr19:15,191,757, G>A on the plus strand (C>T on the coding strand, the complement: NOTCH3 is on the minus strand). VCF-style: chr19-15191757-G-A. GRCh37 (hg19) VCF-style: chr19-15302568-G-A.
Other names: c.790C>T (NM_000435.2); short protein forms P264S.
Identifiers: ClinVar variation 1995441 (VCV001995441.5), dbSNP rs778895791, ClinGen allele CA9263793.

ClinVar aggregate classification (germline): Uncertain significance. Review status: criteria provided, multiple submitters, no conflicts (2 of 4 stars). 3 submissions from 3 submitters: Uncertain significance (3). Last evaluated 2025-07-07.

Allele frequency attached by ClinVar (database versions not stated): TOPMed 0.00001; ExAC 0.00001; gnomAD exomes 0.00001.

Submissions (3):

Dasa
Classification: Uncertain significance. Last evaluated: 2025-07-07. Review status: criteria provided, single submitter. Criteria: DASA Assertion Criteria. Collection method: clinical testing. Allele origin: germline.
Comment: NM_000435.3(NOTCH3):c.790C>T (p.Pro264Ser) is a missense variant that results in the substitution of proline with serine. The affected residue or protein region has prior evidence supporting clinical relevance. This variant is rare in population databases. The currently available literature and clinical evidence are not sufficient to establish a definitive association between this variant and the reported condition. Therefore, this variant is classified as a variant of uncertain significance.

Labcorp Genetics (formerly Invitae), Labcorp
Classification: Uncertain significance. Last evaluated: 2025-06-12. Review status: criteria provided, single submitter. Criteria: Invitae Variant Classification Sherloc (09022015). Collection method: clinical testing. Allele origin: germline.
Comment: This sequence change replaces proline, which is neutral and non-polar, with serine, which is neutral and polar, at codon 264 of the NOTCH3 protein (p.Pro264Ser). This variant is present in population databases (rs778895791, gnomAD no frequency). This variant has not been reported in the literature in individuals affected with NOTCH3-related conditions. ClinVar contains an entry for this variant (Variation ID: 1995441). Invitae Evidence Modeling of protein sequence and biophysical properties (such as structural, functional, and spatial information, amino acid conservation, physicochemical variation, residue mobility, and thermodynamic stability) has been performed for this missense variant. However, the output from this modeling did not meet the statistical confidence thresholds required to predict the impact of this variant on NOTCH3 protein function. In summary, the available evidence is currently insufficient to determine the role of this variant in disease. Therefore, it has been classified as a Variant of Uncertain Significance.

GeneDx
Classification: Uncertain significance. Last evaluated: 2022-08-26. Review status: criteria provided, single submitter. Criteria: GeneDx Variant Classification Process June 2021. Collection method: clinical testing. Allele origin: germline. Affected: yes.
Comment: Not observed at significant frequency in large population cohorts (gnomAD); In silico analysis supports that this missense variant has a deleterious effect on protein structure/function; Has not been previously published as pathogenic or benign to our knowledge